The following is an entry in ClinVar:

ClinVar aggregate classification (germline): Pathogenic (1 of 4 stars; one submission).

Conditions:
MHC class I deficiency. Identifiers: Orphanet 34592, MedGen C6024714, MONDO:0011476.

Submission:

Labcorp Genetics (formerly Invitae), Labcorp
Classification: Pathogenic for MHC class I deficiency 1. Last evaluated: 2025-02-10. Review status: criteria provided, single submitter. Criteria: Invitae Variant Classification Sherloc (09022015). Collection method: clinical testing. Allele origin: germline.
Comment: This sequence change creates a premature translational stop signal (p.Gln150Argfs*7) in the TAP1 gene. It is expected to result in an absent or disrupted protein product. Loss-of-function variants in TAP1 are known to be pathogenic (PMID: 10074494, 10074495). This variant is not present in population databases (gnomAD no frequency). This variant has not been reported in the literature in individuals affected with TAP1-related conditions. For these reasons, this variant has been classified as Pathogenic.

Literature cited by the submitters: PubMed 10074494; PubMed 10074495.

NM_000593.6(TAP1):c.268del (p.Gln90fs)

Gene: TAP1 (transporter 1, ATP binding cassette subfamily B member; minus strand). Cytogenetic location: 6p21.32.
Variant type: Deletion.
Coding change: c.268del on transcript NM_000593.6 (MANE Select); coding-DNA position 268, one base deleted (C; older notation c.268delC).
Protein change: p.Gln90fs; shifts the reading frame from glutamine 90.
Molecular consequence: frameshift variant.
Genome position (GRCh38, 1-based): chr6:32,853,369, G deleted on the plus strand (C on the coding strand, the reverse complement: TAP1 is on the minus strand); the first of 3 consecutive G bases (chr6:32,853,369-32,853,371); deleting any one gives the same sequence. VCF-style (leftmost placement, unchanged base first): chr6-32853368-TG-T. GRCh37 (hg19) VCF-style: chr6-32821145-TG-T.
Other names: short protein forms Q90fs.
Identifiers: ClinVar variation 4712019 (VCV004712019.1).
Genomic context (GRCh38, chr6:32,853,368, plus strand): 5'-AGTCCCGGCAGGGCCAAGCCCAGTGCCGCAGCTAATGGCTTCAAAGCAGCCAGCCAGCCC[TG>T]GGCACCTGCGTTTTCGCTCTTGGAGCCAACCGTTGCCCTGAGGACCCCGCAGGCCCCCAG-3'